The following is an entry in ClinVar:

NM_033337.3(CAV3):c.19A>G (p.Thr7Ala)

Gene: CAV3 (caveolin 3; plus strand). Cytogenetic location: 3p25.3.
Variant type: single nucleotide variant.
Coding change: c.19A>G on transcript NM_033337.3 (MANE Select); coding-DNA position 19, A replaced by G.
Protein change: p.Thr7Ala; replaces threonine 7 with alanine.
Molecular consequence: missense variant.
Genome position (GRCh38, 1-based): chr3:8,733,895, A>G. VCF-style: chr3-8733895-A-G. GRCh37 (hg19) VCF-style: chr3-8775581-A-G.
Other names: c.19A>G, p.Thr7Ala (NM_001234.5); short protein forms T7A.
Identifiers: ClinVar variation 2761226 (VCV002761226.3), dbSNP rs1227645764, ClinGen allele CA351661187.

ClinVar aggregate classification (germline): Uncertain significance (1 of 4 stars; one submission).

Conditions:
Long QT syndrome (LQTS). Identifiers: MedGen C0023976, MeSH D008133, MONDO:0002442. Disease mechanism: loss of function. Inheritance: Various modes of inheritance.

Allele frequency attached by ClinVar (database versions not stated): gnomAD 0.00001.
gnomAD v4.1: 1 of 1,611,072 alleles (0.000062%); highest among the groups gnomAD compares: Non-Finnish European, 0.000085%; no homozygotes.

Submission:

Labcorp Genetics (formerly Invitae), Labcorp
Classification: Uncertain significance for Long QT syndrome. Last evaluated: 2023-09-18. Review status: criteria provided, single submitter. Criteria: Invitae Variant Classification Sherloc (09022015). Collection method: clinical testing. Allele origin: germline.
Comment: In summary, the available evidence is currently insufficient to determine the role of this variant in disease. Therefore, it has been classified as a Variant of Uncertain Significance. An algorithm developed to predict the effect of missense changes on protein structure and function (PolyPhen-2) suggests that this variant is likely to be tolerated. This variant has not been reported in the literature in individuals affected with CAV3-related conditions. This variant is present in population databases (no rsID available, gnomAD 0.0009%). This sequence change replaces threonine, which is neutral and polar, with alanine, which is neutral and non-polar, at codon 7 of the CAV3 protein (p.Thr7Ala).